The following is an entry in ClinVar:

ClinVar aggregate classification (germline): Likely pathogenic. Review status: criteria provided, multiple submitters, no conflicts (2 of 4 stars). 3 submissions from 3 submitters: Likely pathogenic (3). Last evaluated 2025-02-25.

Conditions:
Microcephaly-intellectual disability-sensorineural hearing loss-epilepsy-abnormal muscle tone syndrome (NEDHSB). Also called: NEURODEVELOPMENTAL DISORDER WITH HEARING LOSS, SEIZURES, AND BRAIN ABNORMALITIES. Identifiers: Orphanet 457351, MedGen C4225276, MONDO:0014698, OMIM 616577.

Allele frequency attached by ClinVar (database versions not stated): gnomAD exomes below 0.00001; TOPMed below 0.00001; gnomAD 0.00001.
gnomAD v4.1: 3 of 1,565,862 alleles (0.00019%); highest among the groups gnomAD compares: Non-Finnish European, 0.00026%; no homozygotes.

Submissions (3):

Athena Diagnostics
Classification: Likely pathogenic. Last evaluated: 2025-02-25. Review status: criteria provided, single submitter. Criteria: Athena Diagnostics Criteria. Collection method: clinical testing. Allele origin: unknown.
Comment: This variant is expected to severely impact normal RNA splicing, and consequently, protein structure and/or function. The frequency of this variant in the general population is consistent with pathogenicity.

Labcorp Genetics (formerly Invitae), Labcorp
Classification: Likely pathogenic for Microcephaly-intellectual disability-sensorineural hearing loss-epilepsy-abnormal muscle tone syndrome. Last evaluated: 2023-12-08. Review status: criteria provided, single submitter. Criteria: Invitae Variant Classification Sherloc (09022015). Collection method: clinical testing. Allele origin: germline.
Comment: This sequence change affects a donor splice site in intron 3 of the SPATA5 gene. It is expected to disrupt RNA splicing. Variants that disrupt the donor or acceptor splice site typically lead to a loss of protein function (PMID: 16199547), and loss-of-function variants in SPATA5 are known to be pathogenic (PMID: 26299366). This variant is present in population databases (no rsID available, gnomAD 0.001%). This variant has not been reported in the literature in individuals affected with SPATA5-related conditions. ClinVar contains an entry for this variant (Variation ID: 546179). Algorithms developed to predict the effect of sequence changes on RNA splicing suggest that this variant may disrupt the consensus splice site. In summary, the currently available evidence indicates that the variant is pathogenic, but additional data are needed to prove that conclusively. Therefore, this variant has been classified as Likely Pathogenic.

GeneDx
Classification: Likely pathogenic. Last evaluated: 2018-05-09. Review status: criteria provided, single submitter. Criteria: GeneDx Variant Classification (06012015). Collection method: clinical testing. Allele origin: germline. Affected: yes.
Comment: The c.446+1G>A variant in the SPATA5 gene has not been reported previously as a pathogenic variant nor as a benign variant, to our knowledge. This splice site variant destroys the canonical splice donor site in intron 3. It is predicted to cause abnormal gene splicing, either leading to an abnormal message that is subject to nonsense-mediated mRNA decay, or to an abnormal protein product if the message is used for protein translation. However, in the absence of RNA/functional studies, the actual effect of the c.446+1G>A change in this individual is unknown. The c.446+1G>A variant is not observed at a significant frequency in large population cohorts (Lek et al., 2016). We interpret c.446+1G>A as a likely pathogenic variant.

Literature cited by the submitters: PubMed 16199547 (cited by Labcorp Genetics (formerly Invitae), Labcorp); PubMed 26299366 (cited by Labcorp Genetics (formerly Invitae), Labcorp).

NM_145207.3(AFG2A):c.446+1G>A

Gene: AFG2A (AAA ATPase AFG2A; plus strand). Cytogenetic location: 4q28.1.
Variant type: single nucleotide variant.
Coding change: c.446+1G>A on transcript NM_145207.3 (MANE Select); the canonical splice donor site of the intron after coding-DNA position 446, G replaced by A.
Molecular consequence: splice donor variant.
Genome position (GRCh38, 1-based): chr4:122,929,198, G>A. VCF-style: chr4-122929198-G-A. GRCh37 (hg19) VCF-style: chr4-123850353-G-A.
Other names: c.443+1G>A (NM_001345856.2, NM_001317799.2).
Identifiers: ClinVar variation 546179 (VCV000546179.10), dbSNP rs1166181741, ClinGen allele CA358100283.
Genomic context (GRCh38, chr4:122,929,198, plus strand): 5'-CCAGGTCCAGCCTCTTGTGGGTGCTGTGCTACAGGCTGAGGAAATGGATGTGGCACTGAG[G>A]TTTGGCTCTTTTCTTTGGTGACTATCTGGATCAAAGCTGCCCAGTAGAAATATAAGAGTC-3'